The following is an entry in ClinVar:

NM_201384.3(PLEC):c.1427G>A (p.Arg476His)

Gene: PLEC (plectin; minus strand). Cytogenetic location: 8q24.3.
Variant type: single nucleotide variant.
Coding change: c.1427G>A on transcript NM_201384.3 (MANE Select); coding-DNA position 1427, G replaced by A.
Protein change: p.Arg476His; replaces arginine 476 with histidine.
Molecular consequence: missense variant.
Genome position (GRCh38, 1-based): chr8:143,933,103, C>T on the plus strand (G>A on the coding strand, the complement: PLEC is on the minus strand). VCF-style: chr8-143933103-C-T. GRCh37 (hg19) VCF-style: chr8-145007271-C-T.
Other names: c.1508G>A, p.Arg503His (NM_000445.5, NM_001410941.1); c.1385G>A, p.Arg462His (NM_201378.4); c.1361G>A, p.Arg454His (NM_201379.3); c.1838G>A, p.Arg613His (NM_201380.4); c.1331G>A, p.Arg444His (NM_201381.3); c.1427G>A, p.Arg476His (NM_201382.4); c.1439G>A, p.Arg480His (NM_201383.3); short protein forms R444H, R454H, R462H, R476H, R480H, R503H, R613H.
Identifiers: ClinVar variation 2663373 (VCV002663373.2), dbSNP rs371801559, ClinGen allele CA4927958.

ClinVar aggregate classification (germline): Uncertain significance. Review status: criteria provided, multiple submitters, no conflicts (2 of 4 stars). 2 submissions from 2 submitters: Uncertain significance (2). Last evaluated 2024-09-25.

Conditions:
Inborn genetic diseases. Identifiers: MedGen C0950123, MeSH D030342.

Allele frequency attached by ClinVar (database versions not stated): gnomAD 0.00002; TOPMed 0.00002; ExAC 0.00003; ESP Exome Variant Server 0.00008.
gnomAD v4.1: 27 of 1,591,684 alleles (0.0017%); highest among the groups gnomAD compares: Middle Eastern, 0.017%; no homozygotes.

Submissions (2):

Ambry Genetics
Classification: Uncertain significance for Inborn genetic diseases. Last evaluated: 2024-09-25. Review status: criteria provided, single submitter. Criteria: Ambry Variant Classification Scheme 2023. Collection method: clinical testing. Allele origin: germline.

GeneDx
Classification: Uncertain significance. Last evaluated: 2023-04-27. Review status: criteria provided, single submitter. Criteria: GeneDx Variant Classification Process June 2021. Collection method: clinical testing. Allele origin: germline. Affected: yes.
Comment: Not observed at significant frequency in large population cohorts (gnomAD); In silico analysis supports that this missense variant has a deleterious effect on protein structure/function; Missense variant in a gene in which most reported pathogenic variants are truncating/loss of function; Has not been previously published as pathogenic or benign to our knowledge